The following is an entry in ClinVar:

ClinVar aggregate classification (germline): Uncertain significance. Review status: criteria provided, multiple submitters, no conflicts (2 of 4 stars). 2 submissions from 2 submitters: Uncertain significance (2). Last evaluated 2025-01-26.

Conditions:
Familial cancer of breast. Also called: Hereditary breast cancer; hereditary breast carcinoma; BREAST CANCER, FAMILIAL. Identifiers: Orphanet 227535, MedGen C0346153, MONDO:0016419, OMIM 114480. Disease mechanism: loss of function.

gnomAD v4.1: 1 of 1,614,104 alleles (0.000062%); highest among the groups gnomAD compares: Non-Finnish European, 0.000085%; no homozygotes.

Submissions (2):

Labcorp Genetics (formerly Invitae), Labcorp
Classification: Uncertain significance for Familial cancer of breast. Last evaluated: 2025-01-26. Review status: criteria provided, single submitter. Criteria: Invitae Variant Classification Sherloc (09022015). Collection method: clinical testing. Allele origin: germline.
Comment: This sequence change replaces histidine, which is basic and polar, with glutamine, which is neutral and polar, at codon 276 of the PALB2 protein (p.His276Gln). This variant is not present in population databases (gnomAD no frequency). This variant has not been reported in the literature in individuals affected with PALB2-related conditions. An algorithm developed to predict the effect of missense changes on protein structure and function outputs the following: PolyPhen-2: "Benign". The glutamine amino acid residue is found in multiple mammalian species, which suggests that this missense change does not adversely affect protein function. In summary, the available evidence is currently insufficient to determine the role of this variant in disease. Therefore, it has been classified as a Variant of Uncertain Significance.

Blueprint Genetics
Classification: Uncertain significance. Last evaluated: 2023-12-14. Review status: criteria provided, single submitter. Criteria: ACMG Guidelines, 2015. Collection method: clinical testing. Allele origin: germline.

NM_024675.4(PALB2):c.828C>G (p.His276Gln)

Gene: PALB2 (partner and localizer of BRCA2; minus strand). Cytogenetic location: 16p12.2.
Variant type: single nucleotide variant.
Coding change: c.828C>G on transcript NM_024675.4 (MANE Select); coding-DNA position 828, C replaced by G.
Protein change: p.His276Gln; replaces histidine 276 with glutamine.
Molecular consequence: missense variant. On other transcripts: 5 prime UTR variant (8), intron variant (3).
Genome position (GRCh38, 1-based): chr16:23,635,718, G>C on the plus strand (C>G on the coding strand, the complement: PALB2 is on the minus strand). VCF-style: chr16-23635718-G-C. GRCh37 (hg19) VCF-style: chr16-23647039-G-C.
Other names: c.768C>G, p.His256Gln (NM_001407296.1); c.828C>G, p.His276Gln (NM_001407297.1, NM_001407298.1, NM_001407299.1 and 3 more transcripts); c.-58C>G (NM_001407304.1, NM_001407305.1, NM_001407306.1 and 5 more transcripts); c.48+5392C>G (NM_001407314.1); c.-104-5249C>G (NM_001407313.1, NM_001407312.1); short protein forms H276Q, H256Q.
Identifiers: ClinVar variation 3729639 (VCV003729639.3).
Genomic context (GRCh38, chr16:23,635,718, plus strand): 5'-CATTTTTTTGCCTTGTGCCTCCAAACTTACAGGTGAAGTAAATCTAATGTTTTTTAGGTC[G>C]TGAGTAGTAAGTTCACTGCTACCTTTAGGAGGAATGTGTTCAAGGTGCTGACTACTACCG-3'
Protein context (NP_078951.2, residues 266-286): PPKGSSELTT[His276Gln]DLKNIRFTSP